The following is an entry in ClinVar:

NM_033100.4(CDHR1):c.984G>A (p.Ala328=)

Gene: CDHR1 (cadherin related family member 1; plus strand). Cytogenetic location: 10q23.1.
Variant type: single nucleotide variant.
Coding change: c.984G>A on transcript NM_033100.4 (MANE Select); coding-DNA position 984, G replaced by A.
Protein change: p.Ala328=; no amino-acid change (alanine 328 retained).
Molecular consequence: synonymous variant.
Genome position (GRCh38, 1-based): chr10:84,208,194, G>A. VCF-style: chr10-84208194-G-A. GRCh37 (hg19) VCF-style: chr10-85967950-G-A.
Other names: c.984G>A (NM_033100.3); c.984G>A, p.Ala328= (NM_001171971.3).
Identifiers: ClinVar variation 1159719 (VCV001159719.10), dbSNP rs368242294, ClinGen allele CA5579807.

ClinVar aggregate classification (germline): Likely benign. Review status: criteria provided, multiple submitters, no conflicts (2 of 4 stars). 2 submissions from 2 submitters: Likely benign (2). Last evaluated 2026-08-04.

Conditions:
CDHR1-related disorder. Also called: CDHR1-related condition.

Allele frequency attached by ClinVar (database versions not stated): gnomAD exomes 0.00003 and 0.00006; TOPMed 0.00003; gnomAD 0.00004; ExAC 0.00006; ESP Exome Variant Server 0.00008; 1000 Genomes Project 30x 0.00016; 1000 Genomes Project 0.00020.
gnomAD v4.1: 52 of 1,614,086 alleles (0.0032%); highest among the groups gnomAD compares: Admixed American, 0.017%; no homozygotes.

Submissions (2):

PreventionGenetics, part of Exact Sciences
Classification: Likely benign for CDHR1-related condition. Last evaluated: 2026-08-04. Review status: criteria provided, single submitter. Criteria: ACMG Guidelines, 2015. Collection method: clinical testing. Allele origin: germline.
Comment: This variant is classified as likely benign based on ACMG/AMP sequence variant interpretation guidelines (Richards et al. 2015 PMID: 25741868, with internal and published modifications).

Labcorp Genetics (formerly Invitae), Labcorp
Classification: Likely benign. Last evaluated: 2026-01-26. Review status: criteria provided, single submitter. Criteria: Invitae Variant Classification Sherloc (09022015). Collection method: clinical testing. Allele origin: germline.